The following is an entry in ClinVar:

NM_033131.4(WNT3A):c.778T>G (p.Tyr260Asp)

Gene: WNT3A (Wnt family member 3A; plus strand). Cytogenetic location: 1q42.13.
Variant type: single nucleotide variant.
Coding change: c.778T>G on transcript NM_033131.4 (MANE Select); coding-DNA position 778, T replaced by G.
Protein change: p.Tyr260Asp; replaces tyrosine 260 with aspartic acid.
Molecular consequence: missense variant.
Genome position (GRCh38, 1-based): chr1:228,059,184, T>G. VCF-style: chr1-228059184-T-G. GRCh37 (hg19) VCF-style: chr1-228246885-T-G.
Other names: short protein forms Y260D.
Identifiers: ClinVar variation 1356177 (VCV001356177.6), dbSNP rs2124821695, ClinGen allele CA345336889.
Genomic context (GRCh38, chr1:228,059,184, plus strand): 5'-GAGATGGTGGTGGAGAAGCACCGGGAGTCCCGCGGCTGGGTGGAGACCCTGCGGCCGCGC[T>G]ACACCTACTTCAAGGTGCCCACGGAGCGCGACCTGGTCTACTACGAGGCCTCGCCCAACT-3'
Protein context (NP_149122.1, residues 250-270): RGWVETLRPR[Tyr260Asp]TYFKVPTERD

ClinVar aggregate classification (germline): Uncertain significance (1 of 4 stars; one submission).

Submission:

Labcorp Genetics (formerly Invitae), Labcorp
Classification: Uncertain significance. Last evaluated: 2025-08-21. Review status: criteria provided, single submitter. Criteria: Invitae Variant Classification Sherloc (09022015). Collection method: clinical testing. Allele origin: germline.
Comment: This sequence change replaces tyrosine, which is neutral and polar, with aspartic acid, which is acidic and polar, at codon 260 of the WNT3A protein (p.Tyr260Asp). This variant is not present in population databases (gnomAD no frequency). This variant has not been reported in the literature in individuals affected with WNT3A-related conditions. ClinVar contains an entry for this variant (Variation ID: 1356177). Invitae Evidence Modeling of protein sequence and biophysical properties (such as structural, functional, and spatial information, amino acid conservation, physicochemical variation, residue mobility, and thermodynamic stability) indicates that this missense variant is not expected to disrupt WNT3A protein function with a negative predictive value of 80%. In summary, the available evidence is currently insufficient to determine the role of this variant in disease. Therefore, it has been classified as a Variant of Uncertain Significance.